The following is an entry in ClinVar:

ClinVar aggregate classification (germline): Conflicting classifications of pathogenicity. Review status: criteria provided, conflicting classifications (1 of 4 stars). 6 submissions from 6 submitters: Uncertain significance (3); Likely benign (3). Last evaluated 2025-06-13.

Conditions:
Primary ciliary dyskinesia 14. Also called: CILIARY DYSKINESIA, PRIMARY, 14, WITH OR WITHOUT SITUS INVERSUS. Identifiers: Orphanet 244, MedGen C3151136, MONDO:0013434, OMIM 613807.
Primary ciliary dyskinesia. Also called: Ciliary dyskinesia. Identifiers: Orphanet 244, MedGen C0008780, MONDO:0016575, HP:0012265.

Allele frequency attached by ClinVar (database versions not stated): gnomAD 0.00054 and 0.00057; gnomAD exomes 0.00054; ExAC 0.00059; TOPMed 0.00062; ESP Exome Variant Server 0.00068.
gnomAD v4.1: 1,193 of 1,609,198 alleles (0.074%); highest among the groups gnomAD compares: Middle Eastern, 0.18%; 2 homozygotes.

Submissions (6):

GeneDx
Classification: Uncertain significance. Last evaluated: 2025-06-13. Review status: criteria provided, single submitter. Criteria: GeneDx Variant Classification Process June 2021. Collection method: clinical testing. Allele origin: germline. Affected: yes.
Comment: In silico analysis suggests that this missense variant does not alter protein structure/function; Has not been previously published as pathogenic or benign to our knowledge

Blueprint Genetics
Classification: Likely benign. Last evaluated: 2024-11-04. Review status: criteria provided, single submitter. Criteria: ACMG Guidelines, 2015. Collection method: clinical testing. Allele origin: germline.

Labcorp Genetics (formerly Invitae), Labcorp
Classification: Uncertain significance for Primary ciliary dyskinesia. Last evaluated: 2022-09-18. Review status: criteria provided, single submitter. Criteria: Invitae Variant Classification Sherloc (09022015). Collection method: clinical testing. Allele origin: germline.
Comment: This sequence change replaces histidine, which is basic and polar, with glutamine, which is neutral and polar, at codon 300 of the CCDC39 protein (p.His300Gln). This variant is present in population databases (rs201684898, gnomAD 0.1%), and has an allele count higher than expected for a pathogenic variant. This variant has not been reported in the literature in individuals affected with CCDC39-related conditions. ClinVar contains an entry for this variant (Variation ID: 262977). Algorithms developed to predict the effect of missense changes on protein structure and function output the following: SIFT: "Tolerated"; PolyPhen-2: "Benign"; Align-GVGD: "Class C0". The glutamine amino acid residue is found in multiple mammalian species, which suggests that this missense change does not adversely affect protein function. In summary, the available evidence is currently insufficient to determine the role of this variant in disease. Therefore, it has been classified as a Variant of Uncertain Significance.

Ambry Genetics
Classification: Likely benign for Primary ciliary dyskinesia. Last evaluated: 2019-04-20. Review status: criteria provided, single submitter. Criteria: Ambry Variant Classification Scheme 2023. Collection method: clinical testing. Allele origin: germline.

Illumina Laboratory Services, Illumina
Classification: Uncertain significance for Primary ciliary dyskinesia 14. Last evaluated: 2018-01-12. Review status: criteria provided, single submitter. Criteria: ICSL Variant Classification Criteria 13 December 2019. Collection method: clinical testing. Allele origin: germline.

PreventionGenetics, part of Exact Sciences
Classification: Likely benign. Review status: criteria provided, single submitter. Criteria: ACMG Guidelines, 2015. Collection method: clinical testing. Allele origin: germline.

NM_181426.2(CCDC39):c.900T>A (p.His300Gln)

Gene: CCDC39 (coiled-coil domain 39 molecular ruler complex subunit; minus strand). Cytogenetic location: 3q26.33.
Variant type: single nucleotide variant.
Coding change: c.900T>A on transcript NM_181426.2 (MANE Select); coding-DNA position 900, T replaced by A.
Protein change: p.His300Gln; replaces histidine 300 with glutamine.
Molecular consequence: missense variant.
Genome position (GRCh38, 1-based): chr3:180,654,792, A>T on the plus strand (T>A on the coding strand, the complement: CCDC39 is on the minus strand). VCF-style: chr3-180654792-A-T. GRCh37 (hg19) VCF-style: chr3-180372580-A-T.
Other names: short protein forms H300Q.
Identifiers: ClinVar variation 262977 (VCV000262977.15), dbSNP rs201684898, ClinGen allele CA2716059.